The following is an entry in ClinVar:

NM_000632.4(ITGAM):c.1460G>A (p.Arg487Gln)

Gene: ITGAM (integrin subunit alpha M; plus strand). Cytogenetic location: 16p11.2.
Variant type: single nucleotide variant.
Coding change: c.1460G>A on transcript NM_000632.4 (MANE Select); coding-DNA position 1460, G replaced by A.
Protein change: p.Arg487Gln; replaces arginine 487 with glutamine.
Molecular consequence: missense variant.
Genome position (GRCh38, 1-based): chr16:31,297,617, G>A. VCF-style: chr16-31297617-G-A. GRCh37 (hg19) VCF-style: chr16-31308938-G-A.
Other names: c.1460G>A, p.Arg487Gln (NM_001145808.2); short protein forms R487Q.
Identifiers: ClinVar variation 1369013 (VCV001369013.6), dbSNP rs762688542, ClinGen allele CA8025556.
Genomic context (GRCh38, chr16:31,297,617, plus strand): 5'-ACAGCAACGGCAGCACCGACCTGGTCCTCATCGGGGCCCCCCATTACTACGAGCAGACCC[G>A]AGGGGGCCAGGTGTCCGTGTGCCCCTTGCCCAGGGGGGTGAGTGGCAATGGGACCTGGGC-3'
Protein context (NP_000623.2, residues 477-497): IGAPHYYEQT[Arg487Gln]GGQVSVCPLP

ClinVar aggregate classification (germline): Uncertain significance (1 of 4 stars; one submission).

gnomAD v4.1: 6 of 1,613,246 alleles (0.00037%); highest among the groups gnomAD compares: East Asian, 0.0022%; no homozygotes.

Submission:

Labcorp Genetics (formerly Invitae), Labcorp
Classification: Uncertain significance. Last evaluated: 2025-06-04. Review status: criteria provided, single submitter. Criteria: Invitae Variant Classification Sherloc (09022015). Collection method: clinical testing. Allele origin: germline.
Comment: This sequence change replaces arginine, which is basic and polar, with glutamine, which is neutral and polar, at codon 487 of the ITGAM protein (p.Arg487Gln). This variant is present in population databases (rs762688542, gnomAD 0.006%). This variant has not been reported in the literature in individuals affected with ITGAM-related conditions. ClinVar contains an entry for this variant (Variation ID: 1369013). An algorithm developed to predict the effect of missense changes on protein structure and function outputs the following: PolyPhen-2: "Benign". The glutamine amino acid residue is found in multiple mammalian species, which suggests that this missense change does not adversely affect protein function. In summary, the available evidence is currently insufficient to determine the role of this variant in disease. Therefore, it has been classified as a Variant of Uncertain Significance.